The following is an entry in ClinVar:

ClinVar aggregate classification (germline): Uncertain significance (1 of 4 stars; one submission).

Conditions:
KBG syndrome (KBGS). Also called: ANKRD11-Related KBG Syndrome. Identifiers: Orphanet 2332, MedGen C0220687, MONDO:0007846, OMIM 148050.

gnomAD v4.1: 19 of 1,613,474 alleles (0.0012%); highest among the groups gnomAD compares: Non-Finnish European, 0.0015%; no homozygotes.

Submission:

Labcorp Genetics (formerly Invitae), Labcorp
Classification: Uncertain significance for KBG syndrome. Last evaluated: 2024-03-04. Review status: criteria provided, single submitter. Criteria: Invitae Variant Classification Sherloc (09022015). Collection method: clinical testing. Allele origin: germline.
Comment: This sequence change replaces isoleucine, which is neutral and non-polar, with methionine, which is neutral and non-polar, at codon 1963 of the ANKRD11 protein (p.Ile1963Met). This variant is present in population databases (rs748114867, gnomAD 0.003%). This variant has not been reported in the literature in individuals affected with ANKRD11-related conditions. ClinVar contains an entry for this variant (Variation ID: 2074610). Advanced modeling of protein sequence and biophysical properties (such as structural, functional, and spatial information, amino acid conservation, physicochemical variation, residue mobility, and thermodynamic stability) performed at Invitae indicates that this missense variant is not expected to disrupt ANKRD11 protein function with a negative predictive value of 95%. In summary, the available evidence is currently insufficient to determine the role of this variant in disease. Therefore, it has been classified as a Variant of Uncertain Significance.

NM_013275.6(ANKRD11):c.5889C>G (p.Ile1963Met)

Gene: ANKRD11 (ankyrin repeat domain 11; minus strand). Cytogenetic location: 16q24.3.
Variant type: single nucleotide variant.
Coding change: c.5889C>G on transcript NM_013275.6 (MANE Select); coding-DNA position 5889, C replaced by G.
Protein change: p.Ile1963Met; replaces isoleucine 1963 with methionine.
Molecular consequence: missense variant.
Genome position (GRCh38, 1-based): chr16:89,280,653, G>C on the plus strand (C>G on the coding strand, the complement: ANKRD11 is on the minus strand). VCF-style: chr16-89280653-G-C. GRCh37 (hg19) VCF-style: chr16-89347061-G-C.
Other names: c.5889C>G, p.Ile1963Met (NM_001256182.2, NM_001256183.2); short protein forms I1963M.
Identifiers: ClinVar variation 2074610 (VCV002074610.4), dbSNP rs748114867, ClinGen allele CA8241684.